The following is an entry in ClinVar:

ClinVar aggregate classification (germline): Uncertain significance (1 of 4 stars; one submission).

Conditions:
Inborn genetic diseases. Identifiers: MedGen C0950123, MeSH D030342.

Submission:

Ambry Genetics
Classification: Uncertain significance for Inborn genetic diseases. Last evaluated: 2025-05-02. Review status: criteria provided, single submitter. Criteria: Ambry Variant Classification Scheme 2023. Collection method: clinical testing. Allele origin: germline.
Comment: The p.F166L variant (also known as c.496T>C), located in coding exon 3 of the HAX1 gene, results from a T to C substitution at nucleotide position 496. The phenylalanine at codon 166 is replaced by leucine, an amino acid with highly similar properties. This amino acid position is conserved. In addition, this alteration is predicted to be tolerated by in silico analysis. Based on the available evidence, the clinical significance of this variant remains unclear.

NM_006118.4(HAX1):c.496T>C (p.Phe166Leu)

Gene: HAX1 (HCLS1 associated protein X-1; plus strand). Cytogenetic location: 1q21.3.
Variant type: single nucleotide variant.
Coding change: c.496T>C on transcript NM_006118.4 (MANE Select); coding-DNA position 496, T replaced by C.
Protein change: p.Phe166Leu; replaces phenylalanine 166 with leucine.
Molecular consequence: missense variant.
Genome position (GRCh38, 1-based): chr1:154,273,953, T>C. VCF-style: chr1-154273953-T-C. GRCh37 (hg19) VCF-style: chr1-154246429-T-C.
Other names: c.352T>C, p.Phe118Leu (NM_001018837.2); short protein forms F166L, F118L.
Identifiers: ClinVar variation 4033851 (VCV004033851.1).